The following is an entry in ClinVar:

ClinVar aggregate classification (germline): Uncertain significance (1 of 4 stars; one submission).

gnomAD v4.1: 33 of 1,612,656 alleles (0.002%); highest among the groups gnomAD compares: Non-Finnish European, 0.0028%; no homozygotes.

Submission:

Mayo Clinic Laboratories, Mayo Clinic
Classification: Uncertain significance. Last evaluated: 2025-10-24. Review status: criteria provided, single submitter. Criteria: ACMG Guidelines, 2015. Collection method: clinical testing. Allele origin: germline. Observed: 1 variant allele.
Comment: BP4_moderate

NM_012079.6(DGAT1):c.635G>A (p.Arg212His)

Gene: DGAT1 (diacylglycerol O-acyltransferase 1; minus strand). Cytogenetic location: 8q24.3.
Variant type: single nucleotide variant.
Coding change: c.635G>A on transcript NM_012079.6 (MANE Select); coding-DNA position 635, G replaced by A.
Protein change: p.Arg212His; replaces arginine 212 with histidine.
Molecular consequence: missense variant.
Genome position (GRCh38, 1-based): chr8:144,318,302, C>T on the plus strand (G>A on the coding strand, the complement: DGAT1 is on the minus strand). VCF-style: chr8-144318302-C-T. GRCh37 (hg19) VCF-style: chr8-145541965-C-T.
Other names: p.Arg212His; short protein forms R212H.
Identifiers: ClinVar variation 4541409 (VCV004541409.1).